The following is an entry in ClinVar:

ClinVar aggregate classification (germline): Likely benign. Review status: criteria provided, multiple submitters, no conflicts (2 of 4 stars). 3 submissions from 3 submitters: Likely benign (3). Last evaluated 2024-11-30.

Conditions:
Inborn genetic diseases. Identifiers: MedGen C0950123, MeSH D030342.

Submissions (3):

Ambry Genetics
Classification: Likely benign for Inborn genetic diseases. Last evaluated: 2024-11-30. Review status: criteria provided, single submitter. Criteria: Ambry Variant Classification Scheme 2023. Collection method: clinical testing. Allele origin: germline.

CeGaT Center for Human Genetics Tuebingen
Classification: Likely benign. Last evaluated: 2024-07-01. Review status: criteria provided, single submitter. Criteria: CeGaT Center For Human Genetics Tuebingen Variant Classification Criteria Version 2. Collection method: clinical testing. Allele origin: germline. Affected: yes. Observed: 1 variant allele.
Comment: KDM1A: BP4, BP7

Labcorp Genetics (formerly Invitae), Labcorp
Classification: Likely benign. Last evaluated: 2024-04-20. Review status: criteria provided, single submitter. Criteria: Invitae Variant Classification Sherloc (09022015). Collection method: clinical testing. Allele origin: germline.

NM_001009999.3(KDM1A):c.459A>G (p.Pro153=)

Gene: KDM1A (lysine demethylase 1A; plus strand). Cytogenetic location: 1p36.12.
Variant type: single nucleotide variant.
Coding change: c.459A>G on transcript NM_001009999.3 (MANE Select); coding-DNA position 459, A replaced by G.
Protein change: p.Pro153=; no amino-acid change (proline 153 retained).
Molecular consequence: synonymous variant.
Genome position (GRCh38, 1-based): chr1:23,030,576, A>G. VCF-style: chr1-23030576-A-G. GRCh37 (hg19) VCF-style: chr1-23357069-A-G.
Other names: c.459A>G (NM_001009999.2); c.459A>G, p.Pro153= (NM_001363654.2, NM_001410762.1, NM_001410763.1 and 1 more transcripts).
Identifiers: ClinVar variation 3257233 (VCV003257233.20).